The following is an entry in ClinVar:

ClinVar aggregate classification (germline): Likely benign (0 of 4 stars; one submission).

Conditions:
NRP1-related disorder. Also called: NRP1-related condition.

Submission:

PreventionGenetics, part of Exact Sciences
Classification: Likely benign for NRP1-related condition. Last evaluated: 2024-05-01. Review status: no assertion criteria provided. Collection method: clinical testing. Allele origin: germline.
Comment: This variant is classified as likely benign based on ACMG/AMP sequence variant interpretation guidelines (Richards et al. 2015 PMID: 25741868, with internal and published modifications).

NM_003873.7(NRP1):c.1083C>T (p.Asp361=)

Gene: NRP1 (neuropilin 1; minus strand). Cytogenetic location: 10p11.22.
Variant type: single nucleotide variant.
Coding change: c.1083C>T on transcript NM_003873.7 (MANE Select); coding-DNA position 1083, C replaced by T.
Protein change: p.Asp361=; no amino-acid change (aspartic acid 361 retained).
Molecular consequence: synonymous variant. On other transcripts: non-coding transcript variant (1).
Genome position (GRCh38, 1-based): chr10:33,226,188, G>A on the plus strand (C>T on the coding strand, the complement: NRP1 is on the minus strand). VCF-style: chr10-33226188-G-A. GRCh37 (hg19) VCF-style: chr10-33515116-G-A.
Other names: c.1083C>T, p.Asp361= (NM_001024628.3, NM_001024629.3, NM_001244972.2 and 2 more transcripts).
Identifiers: ClinVar variation 3351556 (VCV003351556.1).
Genomic context (GRCh38, chr10:33,226,188, plus strand): 5'-ACTTACAACAGGTTTGTTTCCTTCTTTTATGGTGATCCAGTCTTCCCCGTTGGAGCTAAC[G>A]TCGATCTTGTAAGTCTTGACATAATATTTCTTCTTGGTTTCTTTTGAAATGGCGCCCTGT-3'
Protein context (NP_003864.5, residues 351-371): KKYYVKTYKI[Asp361=]VSSNGEDWIT